The following is an entry in ClinVar:

NM_001010867.4(IBA57):c.116G>A (p.Gly39Asp)

Gene: IBA57 (iron-sulfur cluster assembly factor IBA57; plus strand). Cytogenetic location: 1q42.13.
Variant type: single nucleotide variant.
Coding change: c.116G>A on transcript NM_001010867.4 (MANE Select); coding-DNA position 116, G replaced by A.
Protein change: p.Gly39Asp; replaces glycine 39 with aspartic acid.
Molecular consequence: missense variant.
Genome position (GRCh38, 1-based): chr1:228,165,932, G>A. VCF-style: chr1-228165932-G-A. GRCh37 (hg19) VCF-style: chr1-228353633-G-A.
Other names: short protein forms G39D.
Identifiers: ClinVar variation 2093988 (VCV002093988.4), dbSNP rs769076384, ClinGen allele CA1431060.

ClinVar aggregate classification (germline): Uncertain significance (1 of 4 stars; one submission).

Conditions:
Multiple mitochondrial dysfunctions syndrome 3 (MMDS3). Identifiers: Orphanet 363424, MedGen C3809165, MONDO:0014132, OMIM 615330.
Hereditary spastic paraplegia 74. Also called: Spastic paraplegia 74, autosomal recessive. Identifiers: Orphanet 468661, MedGen C5568837, MONDO:0014644, OMIM 616451.

Allele frequency attached by ClinVar (database versions not stated): gnomAD exomes below 0.00001; ExAC 0.00012.
gnomAD v4.1: 2 of 1,500,138 alleles (0.00013%); highest among the groups gnomAD compares: South Asian, 0.0012%; no homozygotes.

Submission:

Labcorp Genetics (formerly Invitae), Labcorp
Classification: Uncertain significance for Multiple mitochondrial dysfunctions syndrome 3; Hereditary spastic paraplegia 74. Last evaluated: 2022-04-04. Review status: criteria provided, single submitter. Criteria: Invitae Variant Classification Sherloc (09022015). Collection method: clinical testing. Allele origin: germline.
Comment: This sequence change replaces glycine, which is neutral and non-polar, with aspartic acid, which is acidic and polar, at codon 39 of the IBA57 protein (p.Gly39Asp). The frequency data for this variant in the population databases is considered unreliable, as metrics indicate poor data quality at this position in the gnomAD database. This variant has not been reported in the literature in individuals affected with IBA57-related conditions. Algorithms developed to predict the effect of missense changes on protein structure and function output the following: SIFT: "Tolerated"; PolyPhen-2: "Benign"; Align-GVGD: "Class C0". The aspartic acid amino acid residue is found in multiple mammalian species, which suggests that this missense change does not adversely affect protein function. In summary, the available evidence is currently insufficient to determine the role of this variant in disease. Therefore, it has been classified as a Variant of Uncertain Significance.